The following is an entry in ClinVar:

NM_000089.4(COL1A2):c.317G>A (p.Gly106Glu)

Gene: COL1A2 (collagen type I alpha 2 chain; plus strand). Cytogenetic location: 7q21.3.
Variant type: single nucleotide variant.
Coding change: c.317G>A on transcript NM_000089.4 (MANE Select); coding-DNA position 317, G replaced by A.
Protein change: p.Gly106Glu; replaces glycine 106 with glutamic acid.
Molecular consequence: missense variant.
Genome position (GRCh38, 1-based): chr7:94,404,593, G>A. VCF-style: chr7-94404593-G-A. GRCh37 (hg19) VCF-style: chr7-94033905-G-A.
Other names: short protein forms G106E.
Identifiers: ClinVar variation 1067625 (VCV001067625.10), dbSNP rs2115875189, ClinGen allele CA368219494.

ClinVar aggregate classification (germline): Likely pathogenic (1 of 4 stars; one submission).

Conditions:
Osteogenesis imperfecta type I (OI1). Also called: OI, TYPE I; OSTEOGENESIS IMPERFECTA TARDA; OSTEOGENESIS IMPERFECTA WITH BLUE SCLERAE; Osteogenesis imperfecta type 1; Classic Non-deforming Osteogenesis Imperfecta with Blue Sclerae; Lobstein's Disease. Identifiers: Orphanet 216796, Orphanet 666, MedGen C0023931, MONDO:0008146, OMIM 166200. Disease mechanism: loss of function.
Ehlers-Danlos syndrome, classic type, 1 (EDSCL1). Also called: EHLERS-DANLOS SYNDROME, GRAVIS TYPE; EHLERS-DANLOS SYNDROME, SEVERE CLASSIC TYPE; EDS I; Ehlers-Danlos Syndrome, Classic Type, COL5A1-Related; Ehlers-Danlos syndrome, type 1. Identifiers: MedGen C0268335, MONDO:0019567, OMIM 130000.

Submission:

Labcorp Genetics (formerly Invitae), Labcorp
Classification: Likely pathogenic for Osteogenesis imperfecta type I; Ehlers-Danlos syndrome, classic type, 1. Last evaluated: 2020-08-06. Review status: criteria provided, single submitter. Criteria: Invitae Variant Classification Sherloc (09022015). Collection method: clinical testing. Allele origin: germline.
Comment: In summary, the currently available evidence indicates that the variant is pathogenic, but additional data are needed to prove that conclusively. Therefore, this variant has been classified as Likely Pathogenic. Glycine residues within the Gly-Xaa-Yaa repeats of the triple helix domain are required for the structure and stability of fibrillar collagens (PMID: 7695699, 8218237, 19344236). In COL1A2, variants affecting these glycine residues are significantly enriched in individuals with disease (PMID: 9016532, 17078022) compared to the general population (ExAC). This variant has not been reported in the literature in individuals with COL1A2-related conditions. This variant is not present in population databases (ExAC no frequency). This sequence change replaces glycine with glutamic acid at codon 106 of the COL1A2 protein (p.Gly106Glu). The glycine residue is highly conserved and there is a moderate physicochemical difference between glycine and glutamic acid.

Literature cited by the submitters: PubMed 7695699; PubMed 8218237; PubMed 19344236; PubMed 9016532; PubMed 17078022.